The following is an entry in ClinVar:

NM_006348.5(COG5):c.2477C>T (p.Ser826Phe)

Gene: COG5 (component of oligomeric golgi complex 5; minus strand). Cytogenetic location: 7q22.3.
Variant type: single nucleotide variant.
Coding change: c.2477C>T on transcript NM_006348.5 (MANE Select); coding-DNA position 2477, C replaced by T.
Protein change: p.Ser826Phe; replaces serine 826 with phenylalanine.
Molecular consequence: missense variant.
Genome position (GRCh38, 1-based): chr7:107,203,529, G>A on the plus strand (C>T on the coding strand, the complement: COG5 is on the minus strand). VCF-style: chr7-107203529-G-A. GRCh37 (hg19) VCF-style: chr7-106843974-G-A.
Other names: c.2303C>T, p.Ser768Phe (NM_001379512.1); c.2270C>T, p.Ser757Phe (NM_001379513.1); c.2162C>T, p.Ser721Phe (NM_001379514.1); c.1907C>T, p.Ser636Phe (NM_001379515.1); c.1763C>T, p.Ser588Phe (NM_001379516.1); c.2414C>T, p.Ser805Phe (NM_181733.4); c.2315C>T, p.Ser772Phe (NM_001379511.1); short protein forms S588F, S636F, S721F, S757F, S768F, S772F, S805F, S826F.
Identifiers: ClinVar variation 1054770 (VCV001054770.9), dbSNP rs1798513137, ClinGen allele CA368837887.

ClinVar aggregate classification (germline): Uncertain significance (1 of 4 stars; one submission).

Conditions:
COG5-congenital disorder of glycosylation. Also called: CDG IIi; CONGENITAL DISORDER OF GLYCOSYLATION, TYPE IIi; COG5-CDG. Identifiers: Orphanet 263487, MedGen C3150876, MONDO:0013325, OMIM 613612.

Allele frequency attached by ClinVar (database versions not stated): gnomAD 0.00001.
gnomAD v4.1: 2 of 1,611,344 alleles (0.00012%); highest among the groups gnomAD compares: Admixed American, 0.0017%; no homozygotes.

Submission:

Labcorp Genetics (formerly Invitae), Labcorp
Classification: Uncertain significance for COG5-congenital disorder of glycosylation. Last evaluated: 2020-06-29. Review status: criteria provided, single submitter. Criteria: Invitae Variant Classification Sherloc (09022015). Collection method: clinical testing. Allele origin: germline.
Comment: In summary, the available evidence is currently insufficient to determine the role of this variant in disease. Therefore, it has been classified as a Variant of Uncertain Significance. Algorithms developed to predict the effect of missense changes on protein structure and function are either unavailable or do not agree on the potential impact of this missense change (SIFT: "Deleterious"; PolyPhen-2: "Possibly Damaging"; Align-GVGD: "Class C0"). This variant has not been reported in the literature in individuals with COG5-related conditions. This variant is not present in population databases (ExAC no frequency). This sequence change replaces serine with phenylalanine at codon 857 of the COG5 protein (p.Ser857Phe). The serine residue is moderately conserved and there is a large physicochemical difference between serine and phenylalanine.